The following is an entry in ClinVar:

NM_003227.4(TFR2):c.1812T>G (p.Tyr604Ter)

Gene: TFR2 (transferrin receptor 2; minus strand). Cytogenetic location: 7q22.1.
Variant type: single nucleotide variant.
Coding change: c.1812T>G on transcript NM_003227.4 (MANE Select); coding-DNA position 1812, T replaced by G.
Protein change: p.Tyr604Ter; replaces tyrosine 604 with a stop codon.
Molecular consequence: nonsense.
Genome position (GRCh38, 1-based): chr7:100,627,447, A>C on the plus strand (T>G on the coding strand, the complement: TFR2 is on the minus strand). VCF-style: chr7-100627447-A-C. GRCh37 (hg19) VCF-style: chr7-100225070-A-C.
Other names: c.1299T>G, p.Tyr433Ter (NM_001206855.3); short protein forms Y433*, Y604*.
Identifiers: ClinVar variation 2799824 (VCV002799824.3), dbSNP rs147286030, ClinGen allele CA368525333.

ClinVar aggregate classification (germline): Pathogenic (1 of 4 stars; one submission).

Conditions:
Hereditary hemochromatosis (HFE). Identifiers: MedGen C0392514, MONDO:0006507. Disease mechanism: loss of function.

gnomAD v4.1: 2 of 1,598,640 alleles (0.00013%); highest among the groups gnomAD compares: Non-Finnish European, 0.00017%; no homozygotes.

Submission:

Labcorp Genetics (formerly Invitae), Labcorp
Classification: Pathogenic for Hereditary hemochromatosis. Last evaluated: 2023-11-06. Review status: criteria provided, single submitter. Criteria: Invitae Variant Classification Sherloc (09022015). Collection method: clinical testing. Allele origin: germline.
Comment: This sequence change creates a premature translational stop signal (p.Tyr604*) in the TFR2 gene. It is expected to result in an absent or disrupted protein product. Loss-of-function variants in TFR2 are known to be pathogenic (PMID: 23600741, 26029709). This variant is not present in population databases (gnomAD no frequency). This variant has not been reported in the literature in individuals affected with TFR2-related conditions. For these reasons, this variant has been classified as Pathogenic.

Literature cited by the submitters: PubMed 23600741; PubMed 26029709.